The following is an entry in ClinVar:

NM_000179.3(MSH6):c.3084A>T (p.Ser1028=)

Gene: MSH6 (mutS homolog 6; plus strand). Cytogenetic location: 2p16.3.
Variant type: single nucleotide variant.
Coding change: c.3084A>T on transcript NM_000179.3 (MANE Select); coding-DNA position 3084, A replaced by T.
Protein change: p.Ser1028=; no amino-acid change (serine 1028 retained).
Molecular consequence: synonymous variant.
Genome position (GRCh38, 1-based): chr2:47,801,067, A>T. VCF-style: chr2-47801067-A-T. GRCh37 (hg19) VCF-style: chr2-48028206-A-T.
Other names: c.2694A>T, p.Ser898= (NM_001281492.2); c.2178A>T, p.Ser726= (NM_001281493.2, NM_001281494.2).
Identifiers: ClinVar variation 184986 (VCV000184986.34), dbSNP rs786201843, ClinGen allele CA011509.

ClinVar aggregate classification (germline): Benign/Likely benign. Review status: criteria provided, multiple submitters, no conflicts (2 of 4 stars). 12 submissions from 12 submitters: Benign (1); Likely benign (10). 1 of the submissions does not count toward it. Last evaluated 2026-01-11.

Conditions:
Hereditary nonpolyposis colorectal neoplasms. Identifiers: MedGen C0009405, MeSH D003123.
Mismatch repair cancer syndrome 3. Identifiers: MedGen C5436807, MONDO:0030841, OMIM 619097.
Lynch syndrome 5 (LYNCH5). Also called: Colorectal cancer, hereditary nonpolyposis, type 5; Hereditary non-polyposis colorectal cancer, type 5. Identifiers: Orphanet 144, MedGen C1833477, MONDO:0013710, OMIM 614350. Disease mechanism: loss of function.
Endometrial carcinoma. Also called: Endometrial carcinoma, somatic. Identifiers: MedGen C0476089, MONDO:0002447, OMIM 608089, HP:0012114.
Hereditary cancer-predisposing syndrome. Also called: Tumor predisposition; Neoplastic Syndromes, Hereditary; Hereditary neoplastic syndrome; Hereditary Cancer Syndrome. Identifiers: Orphanet 140162, MedGen C0027672, MeSH D009386, MONDO:0015356.
Breast and/or ovarian cancer. Identifiers: MedGen CN221562.
Lynch syndrome. Identifiers: Orphanet 144, MedGen C4552100, MONDO:0005835. Disease mechanism: loss of function.

Allele frequency attached by ClinVar (database versions not stated): TOPMed below 0.00001; gnomAD 0.00001; gnomAD exomes 0.00001 and 0.00002.
gnomAD v4.1: 9 of 1,607,940 alleles (0.00056%); highest among the groups gnomAD compares: Non-Finnish European, 0.00076%; no homozygotes.

Submissions (12):

Labcorp Genetics (formerly Invitae), Labcorp
Classification: Likely benign for Hereditary nonpolyposis colorectal neoplasms. Last evaluated: 2026-01-11. Review status: criteria provided, single submitter. Criteria: Invitae Variant Classification Sherloc (09022015). Collection method: clinical testing. Allele origin: germline.

Women's Health and Genetics/Laboratory Corporation of America, LabCorp
Classification: Likely benign. Last evaluated: 2025-07-07. Review status: criteria provided, single submitter. Criteria: LabCorp Variant Classification Summary - May 2015. Collection method: clinical testing. Allele origin: germline.

All of Us Research Program, National Institutes of Health
Classification: Likely benign for Lynch syndrome. Last evaluated: 2023-12-01. Review status: criteria provided, single submitter. Criteria: ACMG Guidelines, 2015. Collection method: clinical testing. Allele origin: germline. Inheritance: Autosomal dominant inheritance. Observed: 5 variant alleles, 5 heterozygotes.
Comment: This study involves interpretation of variants in research participants for the purpose of population health screening. Participant phenotype was not available at the time of variant classification. Additional details can be found in publication PMID: 35346344, PMCID: PMC8962531

Blueprint Genetics
Classification: Likely benign. Last evaluated: 2023-08-23. Review status: criteria provided, single submitter. Criteria: ACMG Guidelines, 2015. Collection method: clinical testing. Allele origin: germline.

Myriad Genetics, Inc.
Classification: Benign for Lynch syndrome 5. Last evaluated: 2023-03-28. Review status: criteria provided, single submitter. Criteria: Myriad Autosomal Dominant, Autosomal Recessive and X-Linked Classification Criteria (2023). Collection method: clinical testing. Allele origin: unknown.
Comment: This variant is considered benign. This variant is a silent/synonymous amino acid change and it is not expected to impact splicing.

CHEO Genetics Diagnostic Laboratory, Children's Hospital of Eastern Ontario
Classification: Likely benign for Breast and/or ovarian cancer. Last evaluated: 2022-03-02. Review status: criteria provided, single submitter. Criteria: ACMG Guidelines, 2015. Collection method: clinical testing. Allele origin: germline.

Department of Pathology and Laboratory Medicine, Sinai Health System
Classification: Likely benign for Endometrial carcinoma; Lynch syndrome 5; Mismatch repair cancer syndrome 3. Last evaluated: 2021-06-11. Review status: criteria provided, single submitter. Criteria: ACMG Guidelines, 2015. Collection method: clinical testing. Allele origin: germline. Affected: yes.

GeneDx
Classification: Likely benign. Last evaluated: 2019-04-19. Review status: criteria provided, single submitter. Criteria: GeneDx Variant Classification Process June 2021. Collection method: clinical testing. Allele origin: germline. Affected: yes.

Ambry Genetics
Classification: Likely benign for Hereditary cancer-predisposing syndrome. Last evaluated: 2018-05-04. Review status: criteria provided, single submitter. Criteria: Ambry Variant Classification Scheme 2023. Collection method: clinical testing. Allele origin: germline.

Color Diagnostics, LLC DBA Color Health
Classification: Likely benign for Hereditary cancer-predisposing syndrome. Last evaluated: 2017-11-23. Review status: criteria provided, single submitter. Criteria: ACMG Guidelines, 2015. Collection method: clinical testing. Allele origin: germline.

ARUP Laboratories, Molecular Genetics and Genomics, ARUP Laboratories
Classification: Likely benign. Last evaluated: 2017-01-19. Review status: criteria provided, single submitter. Criteria: ARUP Molecular Germline Variant Investigation Process. Collection method: clinical testing. Allele origin: germline.

Counsyl
Classification: Likely benign for Lynch syndrome 5. Last evaluated: 2016-10-11. Review status: no assertion criteria provided. Collection method: clinical testing. Allele origin: unknown. Not counted in ClinVar's aggregate classification.